The following is an entry in ClinVar:

NM_001875.5(CPS1):c.*754T>G

Gene: CPS1 (carbamoyl-phosphate synthase 1; plus strand). Cytogenetic location: 2q34.
Variant type: single nucleotide variant.
Coding change: c.*754T>G on transcript NM_001875.5 (MANE Select); 754 bases downstream of the stop codon, T replaced by G.
Molecular consequence: 3 prime UTR variant. On other transcripts: non-coding transcript variant (2).
Genome position (GRCh38, 1-based): chr2:210,678,739, T>G. VCF-style: chr2-210678739-T-G. GRCh37 (hg19) VCF-style: chr2-211543463-T-G.
Other names: c.*754T>G (LRG_336t1, NM_001122633.3, NM_001369256.1 and 1 more transcripts).
Identifiers: ClinVar variation 334048 (VCV000334048.6), dbSNP rs73078125, ClinGen allele CA10612377.

ClinVar aggregate classification (germline): Benign. Review status: criteria provided, multiple submitters, no conflicts (2 of 4 stars). 2 submissions from 2 submitters: Benign (2). Last evaluated 2018-01-12.

Conditions:
Congenital hyperammonemia, type I. Also called: CPS I DEFICIENCY; Carbamoyl phosphate synthetase 1 deficiency; Hyperammonemia due to carbamoyl phosphate synthetase 1 deficiency; CPS 1 deficiency; Carbamyl phosphate synthetase (CPS) deficiency; Carbamoyl phosphate synthetase I deficiency disease. Identifiers: Orphanet 147, MedGen C4082171, MONDO:0009376, OMIM 237300.

Allele frequency attached by ClinVar (database versions not stated): gnomAD exomes 0.00568; gnomAD 0.01852 and 0.01899; TOPMed 0.02044; 1000 Genomes Project 0.02756; 1000 Genomes Project 30x 0.03029.
gnomAD v4.1: 2,791 of 152,448 alleles (1.8%); highest among the groups gnomAD compares: African/African-American, 5.9%; 87 homozygotes.

Submissions (2):

Illumina Laboratory Services, Illumina
Classification: Benign for Congenital hyperammonemia, type I. Last evaluated: 2018-01-12. Review status: criteria provided, single submitter. Criteria: ICSL Variant Classification Criteria 13 December 2019. Collection method: clinical testing. Allele origin: germline.
Comment: This variant was observed in the ICSL laboratory as part of a predisposition screen in an ostensibly healthy population. It had not been previously curated by ICSL or reported in the Human Gene Mutation Database (HGMD: prior to June 1st, 2018), and was therefore a candidate for classification through an automated scoring system. Utilizing variant allele frequency, disease prevalence and penetrance estimates, and inheritance mode, an automated score was calculated to assess if this variant is too frequent to cause the disease. Based on the score and internal cut-off values, a variant classified as benign is not then subjected to further curation. The score for this variant resulted in a classification of benign for this disease.

Breakthrough Genomics
Classification: Benign. Review status: criteria provided, single submitter. Criteria: ACMG Guidelines, 2015. Collection method: not provided. Allele origin: germline. Inheritance: Autosomal recessive inheritance. Affected: yes.